The following is an entry in ClinVar:

ClinVar aggregate classification (germline): Uncertain significance (1 of 4 stars; one submission).

Conditions:
3-methylglutaconic aciduria type 5. Also called: MGA, TYPE V; CARDIOMYOPATHY, DILATED, WITH ATAXIA; 3 alpha methylglutaconic aciduria type V; MGA 5. Identifiers: Orphanet 66634, MedGen C1857776, MONDO:0012435, OMIM 610198.

Allele frequency attached by ClinVar (database versions not stated): gnomAD exomes below 0.00001.
gnomAD v4.1: 1 of 1,613,158 alleles (0.000062%); highest among the groups gnomAD compares: Non-Finnish European, 0.000085%; no homozygotes.

Submission:

Labcorp Genetics (formerly Invitae), Labcorp
Classification: Uncertain significance for 3-methylglutaconic aciduria type 5. Last evaluated: 2021-10-20. Review status: criteria provided, single submitter. Criteria: Invitae Variant Classification Sherloc (09022015). Collection method: clinical testing. Allele origin: germline.
Comment: In summary, the available evidence is currently insufficient to determine the role of this variant in disease. Therefore, it has been classified as a Variant of Uncertain Significance. Algorithms developed to predict the effect of missense changes on protein structure and function are either unavailable or do not agree on the potential impact of this missense change (SIFT: "Deleterious"; PolyPhen-2: "Possibly Damaging"; Align-GVGD: "Class C15"). This variant has not been reported in the literature in individuals affected with DNAJC19-related conditions. This variant is not present in population databases (ExAC no frequency). This sequence change replaces glycine with valine at codon 68 of the DNAJC19 protein (p.Gly68Val). The glycine residue is highly conserved and there is a moderate physicochemical difference between glycine and valine.

NM_145261.4(DNAJC19):c.203G>T (p.Gly68Val)

Gene: DNAJC19 (DnaJ heat shock protein family (Hsp40) member C19; minus strand). Cytogenetic location: 3q26.33.
Variant type: single nucleotide variant.
Coding change: c.203G>T on transcript NM_145261.4 (MANE Select); coding-DNA position 203, G replaced by T.
Protein change: p.Gly68Val; replaces glycine 68 with valine.
Molecular consequence: missense variant. On other transcripts: non-coding transcript variant (1).
Genome position (GRCh38, 1-based): chr3:180,986,949, C>A on the plus strand (G>T on the coding strand, the complement: DNAJC19 is on the minus strand). VCF-style: chr3-180986949-C-A. GRCh37 (hg19) VCF-style: chr3-180704737-C-A.
Other names: c.128G>T, p.Gly43Val (NM_001190233.2); short protein forms G43V, G68V.
Identifiers: ClinVar variation 1498100 (VCV001498100.6), dbSNP rs2108508819, ClinGen allele CA355472411.